The following continues an entry in ClinVar:

NM_000059.4(BRCA2):c.440A>T (p.Gln147Leu)

Gene: BRCA2. ClinVar aggregate classification (germline): Uncertain significance. Uncertain significance (11).

Submissions 10 to 14 of 14:

Sema4
Classification: Uncertain significance for Hereditary cancer-predisposing syndrome. Last evaluated: 2022-03-05. Review status: criteria provided, single submitter. Criteria: Sema4 Curation Guidelines. Collection method: curation. Allele origin: germline.
Comment: The BRCA2 c.440A>T (p.Q147L) variant has been reported in at least three individuals with breast cancer (PMID: 25186627, 33471991). This variant was observed in 2/113490 chromosomes in the Non-Finnish European population according to the Genome Aggregation Database (PMID: 32461654) and has been reported in ClinVar (Variation ID: 37900). In silico predictions of the variant's effect on protein function are inconclusive and a functional study assessing splicing did not identify a strong effect for this variant on splicing (PMID: 30883759). The evidence is insufficient to meet ACMG/AMP criteria for classifying the variant as benign or pathogenic. Thus, the clinical significance of this variant is currently uncertain.

GeneDx
Classification: Uncertain significance. Last evaluated: 2017-08-07. Review status: criteria provided, single submitter. Criteria: GeneDx Variant Classification (06012015). Collection method: clinical testing. Allele origin: germline. Affected: yes.
Comment: This variant is denoted BRCA2 c.440A>T at the cDNA level, p.Gln147Leu (Q147L) at the protein level, and results in the change of a Glutamine to a Leucine (CAA>CTA). Using alternate nomenclature, this variant would be defined as BRCA2 668A>T. This variant has not, to our knowledge, been published in the literature as pathogenic or benign. BRCA2 Gln147Leu was not observed in large population cohorts (NHLBI Exome Sequencing Project, The 1000 Genomes Consortium 2015, Lek 2016). Since Glutamine and Leucine differ in polarity, charge, size or other properties, this is considered a non-conservative amino acid substitution. BRCA2 Gln147Leu occurs at a position that is not conserved and is not located in a known functional domain. In silico analyses are inconsistent regarding the effect this variant may have on protein structure and function. Based on currently available evidence, it is unclear whether BRCA2 Gln147Leu is a pathogenic or benign variant. We consider it to be a variant of uncertain significance.

PreventionGenetics, part of Exact Sciences
Classification: Uncertain significance for BRCA2-related condition. Last evaluated: 2024-09-18. Review status: no assertion criteria provided. Collection method: clinical testing. Allele origin: germline. Not counted in ClinVar's aggregate classification.
Comment: The BRCA2 c.440A>T variant is predicted to result in the amino acid substitution p.Gln147Leu. This variant has been reported in an individual with a personal history of breast cancer (Tung et al 2014. PubMed ID: 25186627). This variant is reported in 0.0018% of alleles in individuals of European (Non-Finnish) descent in gnomAD, and is classified as a variant of uncertain significance in ClinVar. At this time, the clinical significance of this variant is uncertain due to the absence of conclusive functional and genetic evidence.

Counsyl
Classification: Uncertain significance for Breast-ovarian cancer, familial, susceptibility to, 2. Last evaluated: 2017-05-22. Review status: no assertion criteria provided. Collection method: clinical testing. Allele origin: unknown. Not counted in ClinVar's aggregate classification.

Sharing Clinical Reports Project (SCRP)
Classification: Uncertain significance for Breast-ovarian cancer, familial 2. Last evaluated: 2012-05-01. Review status: no assertion criteria provided. Collection method: clinical testing. Allele origin: germline. Not counted in ClinVar's aggregate classification.

Literature cited by the submitters: PubMed 25186627 (cited by 9 submitters); PubMed 30883759 (cited by 8 submitters); PubMed 33471991 (cited by 5 submitters); PubMed 31131967 (cited by 4 submitters).